The following is an entry in ClinVar:

ClinVar aggregate classification (germline): Conflicting classifications of pathogenicity. Review status: criteria provided, conflicting classifications (1 of 4 stars). 8 submissions from 7 submitters: Uncertain significance (7); Likely benign (1). Last evaluated 2026-03-30.

Conditions:
Hereditary cancer-predisposing syndrome. Also called: Hereditary neoplastic syndrome; Tumor predisposition; Neoplastic Syndromes, Hereditary; Hereditary Cancer Syndrome. Identifiers: Orphanet 140162, MedGen C0027672, MeSH D009386, MONDO:0015356.
Familial meningioma. Also called: Meningioma, familial, susceptibility to. Identifiers: Orphanet 263662, MedGen C3551915, MONDO:0011789, OMIM 607174.
Medulloblastoma (MDB). Also called: MEDULLOBLASTOMA PREDISPOSITION SYNDROME; Medulloblastoma, somatic. Identifiers: Orphanet 616, MedGen C0025149, MeSH D008527, MONDO:0007959, OMIM 155255, HP:0002885.
Gorlin syndrome. Also called: Nevoid Basal Cell Carcinoma Syndrome; Basal cell nevus syndrome. Identifiers: Orphanet 377, MedGen C0004779, MONDO:0007187.

Allele frequency attached by ClinVar (database versions not stated): ExAC 0.00001; gnomAD 0.00001; gnomAD exomes 0.00001 and 0.00002; TOPMed 0.00001; 1000 Genomes Project 30x 0.00016; 1000 Genomes Project 0.00020.
gnomAD v4.1: 32 of 1,614,228 alleles (0.002%); highest among the groups gnomAD compares: East Asian, 0.013%; 1 homozygote.

Submissions (8):

Ambry Genetics
Classification: Likely benign for Hereditary cancer-predisposing syndrome. Last evaluated: 2026-03-30. Review status: criteria provided, single submitter. Criteria: Ambry Variant Classification Scheme 2023. Collection method: clinical testing. Allele origin: germline.

Labcorp Genetics (formerly Invitae), Labcorp
Classification: Uncertain significance for Gorlin syndrome; Medulloblastoma. Last evaluated: 2025-11-22. Review status: criteria provided, single submitter. Criteria: Invitae Variant Classification Sherloc (09022015). Collection method: clinical testing. Allele origin: germline.
Comment: This sequence change replaces arginine, which is basic and polar, with tryptophan, which is neutral and slightly polar, at codon 393 of the SUFU protein (p.Arg393Trp). This variant is present in population databases (rs201326378, gnomAD 0.002%). This variant has not been reported in the literature in individuals affected with SUFU-related conditions. ClinVar contains an entry for this variant (Variation ID: 524656). Invitae Evidence Modeling of protein sequence and biophysical properties (such as structural, functional, and spatial information, amino acid conservation, physicochemical variation, residue mobility, and thermodynamic stability) indicates that this missense variant is expected to disrupt SUFU protein function with a positive predictive value of 80%. RNA analysis performed to evaluate the impact of this missense change on mRNA splicing indicates it does not significantly alter splicing (internal data). In summary, the available evidence is currently insufficient to determine the role of this variant in disease. Therefore, it has been classified as a Variant of Uncertain Significance.

Blueprint Genetics
Classification: Uncertain significance. Last evaluated: 2024-10-09. Review status: criteria provided, single submitter. Criteria: ACMG Guidelines, 2015. Collection method: clinical testing. Allele origin: germline.

GeneDx
Classification: Uncertain significance. Last evaluated: 2024-07-22. Review status: criteria provided, single submitter. Criteria: GeneDx Variant Classification Process June 2021. Collection method: clinical testing. Allele origin: germline.
Comment: Not observed at significant frequency in large population cohorts (gnomAD); In silico analysis supports that this missense variant has a deleterious effect on protein structure/function; In silico analysis is inconclusive as to whether the variant alters gene splicing. In the absence of RNA/functional studies, the actual effect of this sequence change is unknown.; Has not been previously published as pathogenic or benign to our knowledge; This variant is associated with the following publications: (PMID: 12426310)

Quest Diagnostics Nichols Institute San Juan Capistrano
Classification: Uncertain significance. Last evaluated: 2024-03-25. Review status: criteria provided, single submitter. Criteria: Quest Diagnostics criteria. Collection method: clinical testing. Allele origin: unknown.
Comment: The SUFU c.1177C>T (p.Arg393Trp) variant has been reported in the published literature as a somatic variant in an individual with spinal schwannoma (PMID: 33193598 (2020)). The frequency of this variant in the general population, 0.000023 (3/129192 chromosomes (Genome Aggregation Database)), is uninformative in the assessment of its pathogenicity. Analysis of this variant using bioinformatics tools for the prediction of the effect of amino acid changes on protein structure and function yielded predictions that this variant is damaging. Based on the available information, we are unable to determine the clinical significance of this variant.

Baylor Genetics
Classification: Uncertain significance for Familial meningioma. Last evaluated: 2023-12-18. Review status: criteria provided, single submitter. Criteria: ACMG Guidelines, 2015. Collection method: clinical testing. Allele origin: unknown.

Genetic Services Laboratory, University of Chicago
Classification: Uncertain significance. Last evaluated: 2021-04-30. Review status: criteria provided, single submitter. Criteria: ACMG Guidelines, 2015. Collection method: clinical testing. Allele origin: germline. Affected: no.
Comment: DNA sequence analysis of the SUFU gene demonstrated a sequence change, c.1177C>T, in exon 10 that results in an amino acid change, p.Arg393Trp. This sequence change has been described in gnomAD with a frequency of 0.005% in the South Asian sub-population (dbSNP rs201326378). The p.Arg393Trp change affects a highly conserved amino acid residue located in a domain of the SUFU protein that is known to be functional. The p.Arg393Trp substitution appears to damaging using several in-silico pathogenicity prediction tools (SIFT, PolyPhen2, Align GVGD, REVEL). This sequence change does not appear to have been previously described in patients with SUFU-related disorders and has also not been described as a known benign sequence change in the SUFU gene. Due to the lack sufficient evidences, the clinical significance of the p.Arg393Trp change remains unknown at this time.

Baylor Genetics
Classification: Uncertain significance for Basal cell nevus syndrome 1. Last evaluated: 2020-09-24. Review status: criteria provided, single submitter. Criteria: ACMG Guidelines, 2015. Collection method: clinical testing. Allele origin: paternal. Affected: yes. Study: CSER-TexasKidsCanSeq.
Comment: This variant was determined to be of uncertain significance according to ACMG Guidelines, 2015 [PMID:25741868].

Literature cited by the submitters: PubMed 33193598 (cited by Quest Diagnostics Nichols Institute San Juan Capistrano); PubMed 26677030 (cited by Quest Diagnostics Nichols Institute San Juan Capistrano).

NM_016169.4(SUFU):c.1177C>T (p.Arg393Trp)

Gene: SUFU (SUFU negative regulator of hedgehog signaling; plus strand). Cytogenetic location: 10q24.32.
Variant type: single nucleotide variant.
Coding change: c.1177C>T on transcript NM_016169.4 (MANE Select); coding-DNA position 1177, C replaced by T.
Protein change: p.Arg393Trp; replaces arginine 393 with tryptophan.
Molecular consequence: missense variant.
Genome position (GRCh38, 1-based): chr10:102,617,309, C>T. VCF-style: chr10-102617309-C-T. GRCh37 (hg19) VCF-style: chr10-104377066-C-T.
Other names: c.1177C>T, p.Arg393Trp (NM_001178133.2); short protein forms R393W.
Identifiers: ClinVar variation 524656 (VCV000524656.26), dbSNP rs201326378, ClinGen allele CA5667897.